The following is an entry in ClinVar:

ClinVar aggregate classification (germline): Uncertain significance (1 of 4 stars; one submission).

Conditions:
Deficiency of adenosine deaminase 2. Also called: Adenosine Deaminase 2 Deficiency; VASCULITIS, AUTOINFLAMMATION, IMMUNODEFICIENCY, AND HEMATOLOGIC DEFECTS SYNDROME; Polyarteritis nodosa, childhoood-onset. Identifiers: Orphanet 404553, MedGen C3887654, MONDO:0014306, OMIM 615688, MONDO:0100317.

Submission:

Labcorp Genetics (formerly Invitae), Labcorp
Classification: Uncertain significance for Deficiency of adenosine deaminase 2. Last evaluated: 2025-12-09. Review status: criteria provided, single submitter. Criteria: Invitae Variant Classification Sherloc (09022015). Collection method: clinical testing. Allele origin: germline.
Comment: This sequence change creates a premature translational stop signal (p.Phe504_*512delins35*) in the ADA2 gene. While this is not anticipated to result in nonsense mediated decay, it is expected to disrupt the last 8 amino acid(s) of the ADA2 protein. This variant is not present in population databases (gnomAD no frequency). This variant has not been reported in the literature in individuals affected with ADA2-related conditions. Experimental studies and prediction algorithms are not available or were not evaluated, and the functional significance of this variant is currently unknown. In summary, the available evidence is currently insufficient to determine the role of this variant in disease. Therefore, it has been classified as a Variant of Uncertain Significance.

NM_001282225.2(ADA2):c.1510_*350del (p.Phe504fs)

Gene: ADA2 (adenosine deaminase 2; minus strand). Cytogenetic location: 22q11.1.
Variant type: Deletion.
Coding change: c.1510_*350del on transcript NM_001282225.2 (MANE Select); coding-DNA position 1510 through 350 bases downstream of the stop codon, 377 bases deleted.
Protein change: p.Phe504fs; shifts the reading frame from phenylalanine 504.
Molecular consequence: frameshift variant.
Genome position (GRCh38, 1-based): chr22:17,181,133-17,181,509, 377 bases deleted. GRCh37 (hg19): chr22:17,662,024-17,662,400.
Other names: c.1150_*350del, p.Phe384fs (NM_001282229.2); c.787_*350del, p.Phe263fs (NM_177405.3); c.1510_*350del, p.Phe504fs (NM_001282226.2); c.1384_*350del, p.Phe462fs (NM_001282227.2, NM_001282228.2); short protein forms F384fs, F504fs, F462fs, F263fs.
Identifiers: ClinVar variation 4732849 (VCV004732849.1).